The following is an entry in ClinVar:

ClinVar aggregate classification (germline): Uncertain significance. Review status: criteria provided, multiple submitters, no conflicts (2 of 4 stars). 3 submissions from 3 submitters: Uncertain significance (3). Last evaluated 2025-12-10.

Conditions:
Hereditary cancer-predisposing syndrome. Also called: Hereditary Cancer Syndrome; Neoplastic Syndromes, Hereditary; Tumor predisposition; Hereditary neoplastic syndrome. Identifiers: Orphanet 140162, MedGen C0027672, MeSH D009386, MONDO:0015356.

Allele frequency attached by ClinVar (database versions not stated): gnomAD exomes below 0.00001 and 0.00001; TOPMed below 0.00001; ExAC 0.00001; gnomAD 0.00001; ESP Exome Variant Server 0.00008.
gnomAD v4.1: 5 of 1,613,072 alleles (0.00031%); highest among the groups gnomAD compares: Non-Finnish European, 0.00042%; no homozygotes.

Submissions (3):

Ambry Genetics
Classification: Uncertain significance for Hereditary cancer-predisposing syndrome. Last evaluated: 2025-12-10. Review status: criteria provided, single submitter. Criteria: Ambry Variant Classification Scheme 2023. Collection method: clinical testing. Allele origin: germline.
Comment: The p.D311Y variant (also known as c.931G>T), located in coding exon 8 of the MRE11A gene, results from a G to T substitution at nucleotide position 931. The aspartic acid at codon 311 is replaced by tyrosine, an amino acid with highly dissimilar properties. This amino acid position is highly conserved in available vertebrate species. In addition, this alteration is predicted to be deleterious by in silico analysis. Since supporting evidence is limited at this time, the clinical significance of this alteration remains unclear.

GeneDx
Classification: Uncertain significance. Last evaluated: 2024-04-05. Review status: criteria provided, single submitter. Criteria: GeneDx Variant Classification Process June 2021. Collection method: clinical testing. Allele origin: germline. Affected: yes.
Comment: Not observed at significant frequency in large population cohorts (gnomAD); In silico analysis supports that this missense variant has a deleterious effect on protein structure/function; Has not been previously published as pathogenic or benign to our knowledge

Women's Health and Genetics/Laboratory Corporation of America, LabCorp
Classification: Uncertain significance. Last evaluated: 2021-11-25. Review status: criteria provided, single submitter. Criteria: LabCorp Variant Classification Summary - May 2015. Collection method: clinical testing. Allele origin: germline.

NM_005591.4(MRE11):c.931G>T (p.Asp311Tyr)

Gene: MRE11 (MRE11 double strand break repair nuclease; minus strand). Cytogenetic location: 11q21.
Variant type: single nucleotide variant.
Coding change: c.931G>T on transcript NM_005591.4 (MANE Select); coding-DNA position 931, G replaced by T.
Protein change: p.Asp311Tyr; replaces aspartic acid 311 with tyrosine.
Molecular consequence: missense variant.
Genome position (GRCh38, 1-based): chr11:94,470,557, C>A on the plus strand (G>T on the coding strand, the complement: MRE11 is on the minus strand). VCF-style: chr11-94470557-C-A. GRCh37 (hg19) VCF-style: chr11-94203723-C-A.
Other names: c.931G>T, p.Asp311Tyr (NM_005590.4, NM_001330347.2); short protein forms D311Y.
Identifiers: ClinVar variation 479780 (VCV000479780.8), dbSNP rs150138701, ClinGen allele CA6235258.
Genomic context (GRCh38, chr11:94,470,557, plus strand): 5'-CTTGGGTTACTTTAGGATTATCTGGGTTAAAAATGTCTGGATGATTAGCTAGAACAATAT[C>A]CTCCATGAAAAACTGCCGCACTGTGTGAAGAGGAATTTTATGCATATTCATCTTCCTCCC-3'
Protein context (NP_005582.1, residues 301-321): LHTVRQFFME[Asp311Tyr]IVLANHPDIF